The following is an entry in ClinVar:

ClinVar aggregate classification (germline): Uncertain significance (1 of 4 stars; one submission).

Conditions:
Ehlers-Danlos syndrome, classic type, 1 (EDSCL1). Also called: EHLERS-DANLOS SYNDROME, GRAVIS TYPE; EHLERS-DANLOS SYNDROME, SEVERE CLASSIC TYPE; Ehlers-Danlos syndrome, type 1; EDS I; Ehlers-Danlos Syndrome, Classic Type, COL5A1-Related. Identifiers: MedGen C0268335, MONDO:0019567, OMIM 130000.

Submission:

Labcorp Genetics (formerly Invitae), Labcorp
Classification: Uncertain significance for Ehlers-Danlos syndrome, classic type, 1. Last evaluated: 2022-08-16. Review status: criteria provided, single submitter. Criteria: Invitae Variant Classification Sherloc (09022015). Collection method: clinical testing. Allele origin: germline.
Comment: In summary, the available evidence is currently insufficient to determine the role of this variant in disease. Therefore, it has been classified as a Variant of Uncertain Significance. Algorithms developed to predict the effect of sequence changes on RNA splicing suggest that this variant may disrupt the consensus splice site. This variant has not been reported in the literature in individuals affected with COL5A1-related conditions. This variant is present in population databases (no rsID available, gnomAD 0.003%). This sequence change falls in intron 56 of the COL5A1 gene. It does not directly change the encoded amino acid sequence of the COL5A1 protein.

NM_000093.5(COL5A1):c.4392+6_4392+24dup

Gene: COL5A1 (collagen type V alpha 1 chain; plus strand). Cytogenetic location: 9q34.3.
Variant type: Duplication.
Coding change: c.4392+6_4392+24dup on transcript NM_000093.5 (MANE Select); bases 6 to 24 of the intron after coding-DNA position 4392, 19 bases duplicated (TCACATTCCTCATGGTGAG).
Molecular consequence: splice donor variant.
Genome position (GRCh38, 1-based): chr9:134,818,907-134,818,925, TCACATTCCTCATGGTGAG duplicated; duplicating any 19 consecutive bases within chr9:134,818,898-134,818,925 gives the same sequence; the c. name uses the placement nearest the transcript's 3' end. VCF-style (leftmost placement, unchanged base first): chr9-134818897-C-CCATGGTGAGTCACATTCCT. GRCh37 (hg19) VCF-style: chr9-137710743-C-CCATGGTGAGTCACATTCCT.
Other names: c.4392+6_4392+24dup (NM_001278074.1).
Identifiers: ClinVar variation 2039893 (VCV002039893.4), dbSNP rs1315869684, ClinGen allele CA591110860.
Genomic context (GRCh38, chr9:134,818,897, plus strand): 5'-CTGTGTTTCAGGGAGAACAAGGTCTCCCAGGATCCCCAGGCCCGGACGGTCCCCCCGGCC[C>CCATGGTGAGTCACATTCCT]CATGGTGAGTCACATTCCTCATGGTGAGCATAGCGGGTGGGATGACTTCGCCACCCAAAG-3'